The following is an entry in ClinVar:

NM_014305.4(TGDS):c.270_271del (p.Lys91fs)

Gene: TGDS (TDP-glucose 4,6-dehydratase; minus strand). Cytogenetic location: 13q32.1.
Variant type: Microsatellite.
Coding change: c.270_271del on transcript NM_014305.4 (MANE Select); coding-DNA positions 270 to 271, 2 bases deleted (GA; older notation c.270_271delGA).
Protein change: p.Lys91fs; shifts the reading frame from lysine 91.
Molecular consequence: frameshift variant. On other transcripts: non-coding transcript variant (1).
Genome position (GRCh38, 1-based): chr13:94,590,895-94,590,896, TC deleted on the plus strand (GA on the coding strand, the reverse complement: TGDS is on the minus strand); deleting any 2 consecutive bases within chr13:94,590,895-94,590,899 gives the same sequence; the c. name uses the placement nearest the transcript's 3' end. VCF-style (leftmost placement, unchanged base first): chr13-94590894-TTC-T. GRCh37 (hg19) VCF-style: chr13-95243148-TTC-T.
Other names: c.270_271delGA (NM_014305.4); c.174_175del, p.Lys59fs (NM_001304430.2); short protein forms K59fs, K91fs.
Identifiers: ClinVar variation 162459 (VCV000162459.14), dbSNP rs727502809, ClinGen allele CA175049.

ClinVar aggregate classification (germline): Conflicting classifications of pathogenicity. Review status: criteria provided, conflicting classifications (1 of 4 stars). 5 submissions from 5 submitters: Pathogenic (2); Likely pathogenic (1); Uncertain significance (1). 1 of the submissions does not count toward it. Last evaluated 2026-03-09.

Conditions:
Catel-Manzke syndrome. Also called: HYPERPHALANGY-CLINODACTYLY OF INDEX FINGER WITH PIERRE ROBIN SYNDROME; INDEX FINGER ANOMALY WITH PIERRE ROBIN SYNDROME; PIERRE ROBIN SYNDROME WITH HYPERPHALANGY AND CLINODACTYLY; MICROGNATHIA DIGITAL SYNDROME. Identifiers: Orphanet 1388, MedGen C1844887, MONDO:0014507, OMIM 616145.

Submissions (5):

Dasa
Classification: Pathogenic. Last evaluated: 2026-03-09. Review status: criteria provided, single submitter. Criteria: DASA Assertion Criteria. Collection method: clinical testing. Allele origin: germline.
Comment: NM_014305.4(TGDS):c.270_271del (p.Lys91Asnfs*22) is a frameshift variant in TGDS predicted to alter the reading frame and introduce a premature termination codon and is predicted to result in an absent or altered protein product. Loss of function is an established disease mechanism for TGDS-associated disorders. This variant has been reported in individuals with TGDS-related disorders (PMID: 25480037). Also, this variant is rare in population databases. Based on the currently available evidence, this variant is classified as pathogenic.

First Genomix Gene Laboratory, Genetic Diagnostics Department
Classification: Pathogenic for Catel-Manzke syndrome. Last evaluated: 2025-05-30. Review status: criteria provided, single submitter. Criteria: ACMG Guidelines, 2015. Collection method: clinical testing. Allele origin: germline. Inheritance: Autosomal recessive inheritance. Affected: no. Observed: 1 variant allele.

GeneDx
Classification: Uncertain significance. Last evaluated: 2024-11-05. Review status: criteria provided, single submitter. Criteria: GeneDx Variant Classification Process June 2021. Collection method: clinical testing. Allele origin: germline. Affected: yes.
Comment: Frameshift variant predicted to result in protein truncation or nonsense mediated decay in a gene for which loss-of-function is not an established mechanism of disease; This variant is associated with the following publications: (PMID: 25480037, 31769200)

Greenwood Genetic Center Diagnostic Laboratories, Greenwood Genetic Center
Classification: Likely pathogenic. Last evaluated: 2021-03-01. Review status: criteria provided, single submitter. Criteria: ACMG Guidelines, 2015. Collection method: clinical testing. Allele origin: germline. Affected: yes.
Comment: PVS1, PM2

OMIM
Classification: Pathogenic for CATEL-MANZKE SYNDROME. Last evaluated: 2014-12-04. Review status: no assertion criteria provided. Collection method: literature only. Allele origin: germline. Not counted in ClinVar's aggregate classification.

Literature cited by the submitters: PubMed 25480037 (cited by Dasa and OMIM).